The following is an entry in ClinVar:

ClinVar aggregate classification (germline): Uncertain significance (1 of 4 stars; one submission).

Conditions:
Peroxisome biogenesis disorder 11A (Zellweger). Also called: Peroxisome biogenesis disorder 11A. Identifiers: Orphanet 912, MedGen C3554000, MONDO:0013949, OMIM 614883.

Allele frequency attached by ClinVar (database versions not stated): gnomAD exomes below 0.00001; ExAC 0.00001.
gnomAD v4.1: 1 of 1,614,170 alleles (0.000062%); highest among the groups gnomAD compares: Non-Finnish European, 0.000085%; no homozygotes.

Submission:

Labcorp Genetics (formerly Invitae), Labcorp
Classification: Uncertain significance for Peroxisome biogenesis disorder 11A (Zellweger). Last evaluated: 2021-04-17. Review status: criteria provided, single submitter. Criteria: Invitae Variant Classification Sherloc (09022015). Collection method: clinical testing. Allele origin: germline.
Comment: In summary, the available evidence is currently insufficient to determine the role of this variant in disease. Therefore, it has been classified as a Variant of Uncertain Significance. Algorithms developed to predict the effect of missense changes on protein structure and function (SIFT, PolyPhen-2, Align-GVGD) all suggest that this variant is likely to be tolerated, but these predictions have not been confirmed by published functional studies and their clinical significance is uncertain. This variant has not been reported in the literature in individuals with PEX13-related conditions. This variant is present in population databases (rs757604504, ExAC 0.002%). This sequence change replaces threonine with alanine at codon 41 of the PEX13 protein (p.Thr41Ala). The threonine residue is moderately conserved and there is a small physicochemical difference between threonine and alanine.

NM_002618.4(PEX13):c.121A>G (p.Thr41Ala)

Gene: PEX13 (peroxisomal biogenesis factor 13; plus strand). Cytogenetic location: 2p15.
Variant type: single nucleotide variant.
Coding change: c.121A>G on transcript NM_002618.4 (MANE Select); coding-DNA position 121, A replaced by G.
Protein change: p.Thr41Ala; replaces threonine 41 with alanine.
Molecular consequence: missense variant.
Genome position (GRCh38, 1-based): chr2:61,031,447, A>G. VCF-style: chr2-61031447-A-G. GRCh37 (hg19) VCF-style: chr2-61258582-A-G.
Other names: short protein forms T41A.
Identifiers: ClinVar variation 1388359 (VCV001388359.8), dbSNP rs757604504, ClinGen allele CA1673239.
Genomic context (GRCh38, chr2:61,031,447, plus strand): 5'-AAATAACTGTTTTGAATCTTTTTTGGTTTTAGATCTGCTGATTTGGGTCCTACTTTAATG[A>G]CAAGACCTGGACAACCAGCACTTACCAGAGTGCCCCCACCTATTCTTCCAAGGCCATCAC-3'
Protein context (NP_002609.1, residues 31-51): QSADLGPTLM[Thr41Ala]RPGQPALTRV